The following is an entry in ClinVar:

ClinVar aggregate classification (germline): Uncertain significance (1 of 4 stars; one submission).

Conditions:
Hereditary sensory neuropathy-deafness-dementia syndrome. Also called: Hereditary Sensory and Autonomic Neuropathy Type 1E (HSAN1E); HSN IE; Hereditary sensory neuropathy type IE; NEUROPATHY, HEREDITARY SENSORY, WITH HEARING LOSS AND DEMENTIA. Identifiers: Orphanet 456318, MedGen C3279885, MONDO:0013584, OMIM 614116.

Allele frequency attached by ClinVar (database versions not stated): gnomAD 0.00001; gnomAD exomes 0.00002.
gnomAD v4.1: 27 of 1,613,948 alleles (0.0017%); highest among the groups gnomAD compares: African/African-American, 0.0053%; no homozygotes.

Submission:

Labcorp Genetics (formerly Invitae), Labcorp
Classification: Uncertain significance for Hereditary sensory neuropathy-deafness-dementia syndrome. Last evaluated: 2024-04-08. Review status: criteria provided, single submitter. Criteria: Invitae Variant Classification Sherloc (09022015). Collection method: clinical testing. Allele origin: germline.
Comment: This sequence change replaces arginine, which is basic and polar, with cysteine, which is neutral and slightly polar, at codon 914 of the DNMT1 protein (p.Arg914Cys). This variant is present in population databases (rs745753378, gnomAD 0.0009%). This variant has not been reported in the literature in individuals affected with DNMT1-related conditions. ClinVar contains an entry for this variant (Variation ID: 2085402). Advanced modeling of protein sequence and biophysical properties (such as structural, functional, and spatial information, amino acid conservation, physicochemical variation, residue mobility, and thermodynamic stability) has been performed at Invitae for this missense variant, however the output from this modeling did not meet the statistical confidence thresholds required to predict the impact of this variant on DNMT1 protein function. In summary, the available evidence is currently insufficient to determine the role of this variant in disease. Therefore, it has been classified as a Variant of Uncertain Significance.

NM_001130823.3(DNMT1):c.2740C>T (p.Arg914Cys)

Gene: DNMT1 (DNA methyltransferase 1; minus strand). Cytogenetic location: 19p13.2.
Variant type: single nucleotide variant.
Coding change: c.2740C>T on transcript NM_001130823.3 (MANE Select); coding-DNA position 2740, C replaced by T.
Protein change: p.Arg914Cys; replaces arginine 914 with cysteine.
Molecular consequence: missense variant.
Genome position (GRCh38, 1-based): chr19:10,146,505, G>A on the plus strand (C>T on the coding strand, the complement: DNMT1 is on the minus strand). VCF-style: chr19-10146505-G-A. GRCh37 (hg19) VCF-style: chr19-10257181-G-A.
Other names: c.2692C>T, p.Arg898Cys (NM_001318730.2, NM_001379.4); c.2377C>T, p.Arg793Cys (NM_001318731.2); short protein forms R793C, R898C, R914C.
Identifiers: ClinVar variation 2085402 (VCV002085402.4), dbSNP rs745753378, ClinGen allele CA305225946.